The following is an entry in ClinVar:

NM_001018115.3(FANCD2):c.1167del (p.Ile388_Tyr389insTer)

Genes: FANCD2 (FA complementation group D2; plus strand), LOC107303338 (3p25 FANCD2 Alu-mediated recombination region; plus strand). Cytogenetic location: 3p25.3.
Variant type: Deletion.
Coding change: c.1167del on transcript NM_001018115.3 (MANE Select); coding-DNA position 1167, one base deleted (T; older notation c.1167delT).
Protein change: p.Ile388_Tyr389insTer.
Molecular consequence: nonsense.
Genome position (GRCh38, 1-based): chr3:10,046,612, T deleted. VCF-style (leftmost placement, unchanged base first): chr3-10046611-AT-A. GRCh37 (hg19) VCF-style: chr3-10088295-AT-A.
Other names: c.1167del, p.Ile388_Tyr389insTer (NM_001319984.2, NM_001374253.1, NM_001374254.1 and 1 more transcripts).
Identifiers: ClinVar variation 5006513 (VCV005006513.2).

ClinVar aggregate classification (germline): Likely pathogenic (1 of 4 stars; one submission).

Conditions:
Fanconi anemia complementation group D2. Also called: FANCD2-Related Fanconi Anemia; FANCONI PANCYTOPENIA, TYPE 4; FANCONI ANEMIA, COMPLEMENTATION GROUP D. Identifiers: Orphanet 84, MedGen C3160738, MONDO:0009214, OMIM 227646.

Submission:

Juno Genomics, Hangzhou Juno Genomics, Inc
Classification: Likely pathogenic for Fanconi anemia complementation group D2. Review status: criteria provided, single submitter. Criteria: ACMG Guidelines, 2015. Collection method: clinical testing. Allele origin: germline.
Comment: Null variant in a gene where loss of function (LOF) is a known mechanism of disease.;Absent from controls (or at extremely low frequency if recessive) in Genome Aggregation Database.